The following is an entry in ClinVar:

ClinVar aggregate classification (germline): Uncertain significance (1 of 4 stars; one submission).

Submission:

GeneDx
Classification: Uncertain significance. Last evaluated: 2023-04-06. Review status: criteria provided, single submitter. Criteria: GeneDx Variant Classification Process June 2021. Collection method: clinical testing. Allele origin: germline. Affected: yes.
Comment: Not observed at significant frequency in large population cohorts (gnomAD); In silico analysis supports that this missense variant does not alter protein structure/function; Has not been previously published as pathogenic or benign to our knowledge

NM_001303256.3(MORC2):c.869A>G (p.Gln290Arg)

Gene: MORC2 (MORC family CW-type zinc finger 2; minus strand). Cytogenetic location: 22q12.2.
Variant type: single nucleotide variant.
Coding change: c.869A>G on transcript NM_001303256.3 (MANE Select); coding-DNA position 869, A replaced by G.
Protein change: p.Gln290Arg; replaces glutamine 290 with arginine.
Molecular consequence: missense variant.
Genome position (GRCh38, 1-based): chr22:30,940,793, T>C on the plus strand (A>G on the coding strand, the complement: MORC2 is on the minus strand). VCF-style: chr22-30940793-T-C. GRCh37 (hg19) VCF-style: chr22-31336780-T-C.
Other names: c.869A>G, p.Gln290Arg (NM_001303257.2); c.683A>G, p.Gln228Arg (NM_014941.3); short protein forms Q228R, Q290R.
Identifiers: ClinVar variation 2662443 (VCV002662443.1), dbSNP rs2517600051, ClinGen allele CA411240773.